The following is an entry in ClinVar:

ClinVar aggregate classification (germline): Conflicting classifications of pathogenicity. Review status: criteria provided, conflicting classifications (1 of 4 stars). 2 submissions from 2 submitters: Uncertain significance (1); Likely benign (1). Last evaluated 2025-12-30.

Conditions:
Kleefstra syndrome 1 (KLEFS1). Identifiers: Orphanet 261494, MedGen C0795833, MONDO:0027407, OMIM 610253.

Allele frequency attached by ClinVar (database versions not stated): ExAC 0.00001; gnomAD 0.00001 and 0.00002; gnomAD exomes 0.00001; TOPMed 0.00001.
gnomAD v4.1: 12 of 1,612,902 alleles (0.00074%); highest among the groups gnomAD compares: South Asian, 0.0044%; no homozygotes.

Submissions (2):

Labcorp Genetics (formerly Invitae), Labcorp
Classification: Likely benign for Kleefstra syndrome 1. Last evaluated: 2025-12-30. Review status: criteria provided, single submitter. Criteria: Invitae Variant Classification Sherloc (09022015). Collection method: clinical testing. Allele origin: germline.

Neuberg Centre For Genomic Medicine, NCGM
Classification: Uncertain significance for Kleefstra syndrome 1. Review status: criteria provided, single submitter. Criteria: ACMG Guidelines, 2015. Collection method: clinical testing. Allele origin: germline. Inheritance: Autosomal dominant inheritance. Affected: yes.
Comment: The missense variant c.376A>G (p.Ile126Val) in EHMT1 gene has not been reported previously as a pathogenic variant nor as a benign variant, to our knowledge. This variant is reported with the allele frequency (0.001%) in the gnomad and novel in 1000 genome database. This variant has been submitted to ClinVar as a variant of Uncertain significance. The amino acid Isoleucine at position 126 is changed to a Valine changing protein sequence and it might alter its composition and physico chemical properties. The variant is predicted to be damaging by SIFT. The residue is conserved across species. For these reasons, this variant has been classified as Uncertain Significance.

NM_024757.5(EHMT1):c.376A>G (p.Ile126Val)

Gene: EHMT1 (euchromatic histone lysine methyltransferase 1; plus strand). Cytogenetic location: 9q34.3.
Variant type: single nucleotide variant.
Coding change: c.376A>G on transcript NM_024757.5 (MANE Select); coding-DNA position 376, A replaced by G.
Protein change: p.Ile126Val; replaces isoleucine 126 with valine.
Molecular consequence: missense variant.
Genome position (GRCh38, 1-based): chr9:137,716,916, A>G. VCF-style: chr9-137716916-A-G. GRCh37 (hg19) VCF-style: chr9-140611368-A-G.
Other names: c.376A>G, p.Ile126Val (NM_001145527.2, NM_001354263.2, NM_001354611.2); c.283A>G, p.Ile95Val (NM_001354259.2, NM_001354612.2); short protein forms I126V, I95V.
Identifiers: ClinVar variation 531850 (VCV000531850.12), dbSNP rs773781896, ClinGen allele CA5374289.